The following is an entry in ClinVar:

ClinVar aggregate classification (germline): Pathogenic/Likely pathogenic. Review status: criteria provided, multiple submitters, no conflicts (2 of 4 stars). 2 submissions from 2 submitters: Pathogenic (1); Likely pathogenic (1). Last evaluated 2024-03-24.

Conditions:
Bardet-Biedl syndrome (BBS). Identifiers: Orphanet 110, MedGen C0752166, MONDO:0015229.
Bardet-Biedl syndrome 10 (BBS10). Identifiers: Orphanet 110, MedGen C1859568, MONDO:0014438, OMIM 615987.

Submissions (2):

Baylor Genetics
Classification: Likely pathogenic for Bardet-Biedl syndrome 10. Last evaluated: 2024-03-24. Review status: criteria provided, single submitter. Criteria: ACMG Guidelines, 2015. Collection method: clinical testing. Allele origin: unknown.

Labcorp Genetics (formerly Invitae), Labcorp
Classification: Pathogenic for Bardet-Biedl syndrome. Last evaluated: 2023-08-04. Review status: criteria provided, single submitter. Criteria: Invitae Variant Classification Sherloc (09022015). Collection method: clinical testing. Allele origin: germline.
Comment: This variant is present in population databases (rs748601201, gnomAD 0.007%). For these reasons, this variant has been classified as Pathogenic. This variant disrupts a region of the BBS10 protein in which other variant(s) (p.Val707*) have been determined to be pathogenic (PMID: 20472660, 22773737, 25982971, 27486776). This suggests that this is a clinically significant region of the protein, and that variants that disrupt it are likely to be disease-causing. This variant has not been reported in the literature in individuals affected with BBS10-related conditions. This sequence change creates a premature translational stop signal (p.Ile156Leufs*5) in the BBS10 gene. While this is not anticipated to result in nonsense mediated decay, it is expected to disrupt the last 568 amino acid(s) of the BBS10 protein.

Literature cited by the submitters: PubMed 20472660 (cited by Labcorp Genetics (formerly Invitae), Labcorp); PubMed 22773737 (cited by Labcorp Genetics (formerly Invitae), Labcorp); PubMed 25982971 (cited by Labcorp Genetics (formerly Invitae), Labcorp); PubMed 27486776 (cited by Labcorp Genetics (formerly Invitae), Labcorp).

NM_024685.4(BBS10):c.466_467del (p.Ile156fs)

Gene: BBS10 (Bardet-Biedl syndrome 10; minus strand). Cytogenetic location: 12q21.2.
Variant type: Deletion.
Coding change: c.466_467del on transcript NM_024685.4 (MANE Select); coding-DNA positions 466 to 467, 2 bases deleted (AT; older notation c.466_467delAT).
Protein change: p.Ile156fs; shifts the reading frame from isoleucine 156.
Molecular consequence: frameshift variant.
Genome position (GRCh38, 1-based): chr12:76,347,518-76,347,519, AT deleted on the plus strand (AT on the coding strand, the reverse complement: BBS10 is on the minus strand); deleting any 2 consecutive bases within chr12:76,347,518-76,347,520 gives the same sequence; the c. name uses the placement nearest the transcript's 3' end. VCF-style (leftmost placement, unchanged base first): chr12-76347517-GAT-G. GRCh37 (hg19) VCF-style: chr12-76741297-GAT-G.
Other names: short protein forms I156fs.
Identifiers: ClinVar variation 2733680 (VCV002733680.4), dbSNP rs748601201, ClinGen allele CA6694335.